The following is an entry in ClinVar:

ClinVar aggregate classification (germline): Uncertain significance. Review status: criteria provided, multiple submitters, no conflicts (2 of 4 stars). 2 submissions from 2 submitters: Uncertain significance (2). Last evaluated 2025-10-21.

Allele frequency attached by ClinVar (database versions not stated): gnomAD 0.00001; TOPMed 0.00001; ExAC 0.00002; gnomAD exomes 0.00003; ESP Exome Variant Server 0.00008.
gnomAD v4.1: 38 of 1,613,776 alleles (0.0024%); highest among the groups gnomAD compares: Non-Finnish European, 0.0031%; no homozygotes.

Submissions (2):

Ambry Genetics
Classification: Uncertain significance. Last evaluated: 2025-10-21. Review status: criteria provided, single submitter. Criteria: Ambry Variant Classification Scheme 2023. Collection method: clinical testing. Allele origin: germline.

Labcorp Genetics (formerly Invitae), Labcorp
Classification: Uncertain significance. Last evaluated: 2025-10-19. Review status: criteria provided, single submitter. Criteria: Invitae Variant Classification Sherloc (09022015). Collection method: clinical testing. Allele origin: germline.
Comment: This sequence change replaces isoleucine, which is neutral and non-polar, with threonine, which is neutral and polar, at codon 255 of the TRAP1 protein (p.Ile255Thr). This variant is present in population databases (rs369025615, gnomAD 0.002%). This variant has not been reported in the literature in individuals affected with TRAP1-related conditions. ClinVar contains an entry for this variant (Variation ID: 2307036). Invitae Evidence Modeling of protein sequence and biophysical properties (such as structural, functional, and spatial information, amino acid conservation, physicochemical variation, residue mobility, and thermodynamic stability) indicates that this missense variant is expected to disrupt TRAP1 protein function with a positive predictive value of 80%. In summary, the available evidence is currently insufficient to determine the role of this variant in disease. Therefore, it has been classified as a Variant of Uncertain Significance.

NM_016292.3(TRAP1):c.764T>C (p.Ile255Thr)

Gene: TRAP1 (TNF receptor associated protein 1; minus strand). Cytogenetic location: 16p13.3.
Variant type: single nucleotide variant.
Coding change: c.764T>C on transcript NM_016292.3 (MANE Select); coding-DNA position 764, T replaced by C.
Protein change: p.Ile255Thr; replaces isoleucine 255 with threonine.
Molecular consequence: missense variant.
Genome position (GRCh38, 1-based): chr16:3,676,086, A>G on the plus strand (T>C on the coding strand, the complement: TRAP1 is on the minus strand). VCF-style: chr16-3676086-A-G. GRCh37 (hg19) VCF-style: chr16-3726087-A-G.
Other names: c.605T>C, p.Ile202Thr (NM_001272049.2); short protein forms I255T, I202T.
Identifiers: ClinVar variation 2307036 (VCV002307036.4), dbSNP rs369025615, ClinGen allele CA7868508.
Genomic context (GRCh38, chr16:3,676,086, plus strand): 5'-TCCCGCTCACCTCGCACCCGGGCCTCGCTGGAAAACTCCTTGCAGTCGGATTTCAGGTGG[A>G]TGATGATTTTTGTCCCGGTTCTAACTCCCGAAGCTTCGGCGATTTCAAACACTCCAGAAC-3'
Protein context (NP_057376.2, residues 245-265): SGVRTGTKII[Ile255Thr]HLKSDCKEFS